The following is an entry in ClinVar:

NM_000124.4(ERCC6):c.4017C>T (p.Phe1339=)

Gene: ERCC6 (ERCC excision repair 6, chromatin remodeling factor; minus strand). Cytogenetic location: 10q11.23.
Variant type: single nucleotide variant.
Coding change: c.4017C>T on transcript NM_000124.4 (MANE Select); coding-DNA position 4017, C replaced by T.
Protein change: p.Phe1339=; no amino-acid change (phenylalanine 1339 retained).
Molecular consequence: synonymous variant.
Genome position (GRCh38, 1-based): chr10:49,460,418, G>A on the plus strand (C>T on the coding strand, the complement: ERCC6 is on the minus strand). VCF-style: chr10-49460418-G-A. GRCh37 (hg19) VCF-style: chr10-50668464-G-A.
Other names: c.4017C>T, p.Phe1339= (NM_001346440.2).
Identifiers: ClinVar variation 765995 (VCV000765995.35), dbSNP rs200428567, ClinGen allele CA5495202.

ClinVar aggregate classification (germline): Likely benign. Review status: criteria provided, multiple submitters, no conflicts (2 of 4 stars). 3 submissions from 3 submitters: Likely benign (2). 1 of the submissions does not count toward it. Last evaluated 2026-01-09.

Conditions:
ERCC6-related disorder. Also called: ERCC6-related disorders; ERCC6-related condition. Identifiers: MedGen CN239385.

Allele frequency attached by ClinVar (database versions not stated): gnomAD 0.00007; TOPMed 0.00025; 1000 Genomes Project 30x 0.00031; 1000 Genomes Project 0.00040.
gnomAD v4.1: 59 of 1,613,662 alleles (0.0037%); highest among the groups gnomAD compares: Admixed American, 0.052%; no homozygotes.

Submissions (3):

Labcorp Genetics (formerly Invitae), Labcorp
Classification: Likely benign. Last evaluated: 2026-01-09. Review status: criteria provided, single submitter. Criteria: Invitae Variant Classification Sherloc (09022015). Collection method: clinical testing. Allele origin: germline.

CeGaT Center for Human Genetics Tuebingen
Classification: Likely benign. Last evaluated: 2022-06-01. Review status: criteria provided, single submitter. Criteria: CeGaT Center For Human Genetics Tuebingen Variant Classification Criteria Version 2. Collection method: clinical testing. Allele origin: germline. Affected: yes. Observed: 1 variant allele.
Comment: ERCC6: BP4, BP7

PreventionGenetics, part of Exact Sciences
Classification: Likely benign for ERCC6-related condition. Last evaluated: 2019-03-20. Review status: no assertion criteria provided. Collection method: clinical testing. Allele origin: germline. Not counted in ClinVar's aggregate classification.
Comment: This variant is classified as likely benign based on ACMG/AMP sequence variant interpretation guidelines (Richards et al. 2015 PMID: 25741868, with internal and published modifications).